The following is an entry in ClinVar:

NM_001042492.3(NF1):c.5125A>G (p.Ile1709Val)

Gene: NF1 (neurofibromin 1; plus strand). Cytogenetic location: 17q11.2.
Variant type: single nucleotide variant.
Coding change: c.5125A>G on transcript NM_001042492.3 (MANE Select); coding-DNA position 5125, A replaced by G.
Protein change: p.Ile1709Val; replaces isoleucine 1709 with valine.
Molecular consequence: missense variant.
Genome position (GRCh38, 1-based): chr17:31,326,109, A>G. VCF-style: chr17-31326109-A-G. GRCh37 (hg19) VCF-style: chr17-29653127-A-G.
Other names: c.5062A>G, p.Ile1688Val (NM_000267.4); short protein forms I1709V, I1688V.
Identifiers: ClinVar variation 485964 (VCV000485964.16), dbSNP rs774720054, ClinGen allele CA8487138.
Genomic context (GRCh38, chr17:31,326,109, plus strand): 5'-TACACCAAGTATCATGAGCGGCTGCTGACTGGCCTCAAAGGTAGCAAAAGGCTTGTTTTC[A>G]TAGACTGTCCTGGGAAACTGGCTGAGCACATAGAGCATGAACAACAGAAACTACCTGCTG-3'
Protein context (NP_001035957.1, residues 1699-1719): GLKGSKRLVF[Ile1709Val]DCPGKLAEHI

ClinVar aggregate classification (germline): Conflicting classifications of pathogenicity. Review status: criteria provided, conflicting classifications (1 of 4 stars). 4 submissions from 4 submitters: Uncertain significance (3); Benign (1). Last evaluated 2026-06-12.

Conditions:
Hereditary cancer-predisposing syndrome. Also called: Tumor predisposition; Hereditary neoplastic syndrome; Neoplastic Syndromes, Hereditary; Hereditary Cancer Syndrome. Identifiers: Orphanet 140162, MedGen C0027672, MeSH D009386, MONDO:0015356.
Cardiovascular phenotype. Identifiers: MedGen CN230736.
Neurofibromatosis, type 1 (NF1). Also called: Neurofibromatosis, type I; VON RECKLINGHAUSEN DISEASE; NEUROFIBROMATOSIS, TYPE I, SOMATIC; Peripheral type neurofibromatosis. Identifiers: Orphanet 636, MedGen C0027831, MONDO:0018975, OMIM 162200. Disease mechanism: loss of function.

Allele frequency attached by ClinVar (database versions not stated): gnomAD exomes below 0.00001; TOPMed below 0.00001; ExAC 0.00001; gnomAD 0.00001.
gnomAD v4.1: 7 of 1,613,464 alleles (0.00043%); highest among the groups gnomAD compares: South Asian, 0.0011%; no homozygotes.

Submissions (4):

Ambry Genetics
Classification: Uncertain significance for Cardiovascular phenotype; Hereditary cancer-predisposing syndrome. Last evaluated: 2026-06-12. Review status: criteria provided, single submitter. Criteria: Ambry Variant Classification Scheme 2023. Collection method: clinical testing. Allele origin: germline.

Labcorp Genetics (formerly Invitae), Labcorp
Classification: Benign for Neurofibromatosis, type 1. Last evaluated: 2025-06-19. Review status: criteria provided, single submitter. Criteria: Invitae Variant Classification Sherloc (09022015). Collection method: clinical testing. Allele origin: germline.

GeneDx
Classification: Uncertain significance. Last evaluated: 2024-05-16. Review status: criteria provided, single submitter. Criteria: GeneDx Variant Classification Process June 2021. Collection method: clinical testing. Allele origin: germline. Affected: yes.
Comment: Not observed at significant frequency in large population cohorts (gnomAD); In silico analysis indicates that this missense variant does not alter protein structure/function; Has not been previously published as pathogenic or benign to our knowledge

Genome-Nilou Lab
Classification: Uncertain significance for Neurofibromatosis, type 1. Last evaluated: 2022-03-15. Review status: criteria provided, single submitter. Criteria: ACMG Guidelines, 2015. Collection method: clinical testing. Allele origin: germline. Affected: no.